The following is an entry in ClinVar:

ClinVar aggregate classification (germline): Pathogenic/Likely pathogenic. Review status: criteria provided, multiple submitters, no conflicts (2 of 4 stars). 2 submissions from 2 submitters: Pathogenic (1); Likely pathogenic (1). Last evaluated 2022-01-07.

Conditions:
3-Methylglutaconic aciduria type 2 (BTHS). Also called: Barth syndrome; CARDIOSKELETAL MYOPATHY WITH NEUTROPENIA AND ABNORMAL MITOCHONDRIA. Identifiers: Orphanet 111, MedGen C0574083, MONDO:0010543, OMIM 302060.
TAZ-related disorders.

Submissions (2):

Blueprint Genetics
Classification: Likely pathogenic for TAZ-related disorders. Last evaluated: 2022-01-07. Review status: criteria provided, single submitter. Criteria: ACMG Guidelines, 2015. Collection method: clinical testing. Allele origin: germline. Affected: yes. Observed: 1 variant allele.

Labcorp Genetics (formerly Invitae), Labcorp
Classification: Pathogenic for 3-Methylglutaconic aciduria type 2. Last evaluated: 2020-09-07. Review status: criteria provided, single submitter. Criteria: Invitae Variant Classification Sherloc (09022015). Collection method: clinical testing. Allele origin: germline.
Comment: This sequence change creates a premature translational stop signal (p.Val44Cysfs*39) in the TAZ gene. It is expected to result in an absent or disrupted protein product. This variant is not present in population databases (ExAC no frequency). This variant has not been reported in the literature in individuals with TAZ-related conditions. Loss-of-function variants in TAZ are known to be pathogenic (PMID: 16427346, 22382802, 23409742). For these reasons, this variant has been classified as Pathogenic.

Literature cited by the submitters: PubMed 16427346 (cited by Labcorp Genetics (formerly Invitae), Labcorp); PubMed 22382802 (cited by Labcorp Genetics (formerly Invitae), Labcorp); PubMed 23409742 (cited by Labcorp Genetics (formerly Invitae), Labcorp).

NM_000116.5(TAFAZZIN):c.129del (p.Val44fs)

Gene: TAFAZZIN (tafazzin, phospholipid-lysophospholipid transacylase; plus strand). Cytogenetic location: Xq28.
Variant type: Deletion.
Coding change: c.129del on transcript NM_000116.5 (MANE Select); coding-DNA position 129, one base deleted (C; older notation c.129delC).
Protein change: p.Val44fs; shifts the reading frame from valine 44.
Molecular consequence: frameshift variant. On other transcripts: non-coding transcript variant (1).
Genome position (GRCh38, 1-based): chrX:154,412,105, C deleted; the last of 2 consecutive C bases (chrX:154,412,104-154,412,105); deleting either gives the same sequence. VCF-style (leftmost placement, unchanged base first): chrX-154412103-AC-A. GRCh37 (hg19) VCF-style: chrX-153640440-AC-A.
Other names: c.183del, p.Val62fs (NM_001303465.2); c.129del, p.Val44fs (NM_181311.4, NM_181312.4, NM_181313.4); short protein forms V44fs, V62fs.
Identifiers: ClinVar variation 1072332 (VCV001072332.6), dbSNP rs2148186224, ClinGen allele CA2499226504.